The following is an entry in ClinVar:

NM_016507.4(CDK12):c.1277T>A (p.Phe426Tyr)

Gene: CDK12 (cyclin dependent kinase 12; plus strand). Cytogenetic location: 17q12.
Variant type: single nucleotide variant.
Coding change: c.1277T>A on transcript NM_016507.4 (MANE Select); coding-DNA position 1277, T replaced by A.
Protein change: p.Phe426Tyr; replaces phenylalanine 426 with tyrosine.
Molecular consequence: missense variant.
Genome position (GRCh38, 1-based): chr17:39,471,109, T>A. VCF-style: chr17-39471109-T-A. GRCh37 (hg19) VCF-style: chr17-37627362-T-A.
Other names: c.1277T>A, p.Phe426Tyr (NM_015083.4); short protein forms F426Y.
Identifiers: ClinVar variation 3265415 (VCV003265415.2).

ClinVar aggregate classification (germline): Uncertain significance (1 of 4 stars; one submission).

gnomAD v4.1: 7 of 1,608,758 alleles (0.00044%); highest among the groups gnomAD compares: East Asian, 0.016%; no homozygotes.

Submission:

Ambry Genetics
Classification: Uncertain significance. Last evaluated: 2025-06-09. Review status: criteria provided, single submitter. Criteria: Ambry Variant Classification Scheme 2023. Collection method: clinical testing. Allele origin: germline.
Comment: The p.F426Y variant (also known as c.1277T>A), located in coding exon 2 of the CDK12 gene, results from a T to A substitution at nucleotide position 1277. The phenylalanine at codon 426 is replaced by tyrosine, an amino acid with highly similar properties. This amino acid position is conserved. In addition, this alteration is predicted to be tolerated by in silico analysis. Based on the available evidence, the clinical significance of this variant remains unclear.